The following is an entry in ClinVar:

ClinVar aggregate classification (germline): Benign/Likely benign. Review status: criteria provided, multiple submitters, no conflicts (2 of 4 stars). 3 submissions from 3 submitters: Benign (1); Likely benign (2). Last evaluated 2026-08-01.

Allele frequency attached by ClinVar (database versions not stated): 1000 Genomes Project 0.00140; 1000 Genomes Project 30x 0.00141; gnomAD 0.00186 and 0.00201; TOPMed 0.00192; ESP Exome Variant Server 0.00231; gnomAD exomes 0.00263; ExAC 0.00285.
gnomAD v4.1: 4,249 of 1,579,258 alleles (0.27%); highest among the groups gnomAD compares: Middle Eastern, 0.81%; 7 homozygotes.

Submissions (3):

CeGaT Center for Human Genetics Tuebingen
Classification: Likely benign. Last evaluated: 2026-08-01. Review status: criteria provided, single submitter. Criteria: CeGaT Center For Human Genetics Tuebingen Variant Classification Criteria Version 2. Collection method: clinical testing. Allele origin: germline. Affected: yes. Observed: 4 variant alleles.
Comment: KIF23: BP4, BP7

Labcorp Genetics (formerly Invitae), Labcorp
Classification: Benign. Last evaluated: 2026-01-25. Review status: criteria provided, single submitter. Criteria: Invitae Variant Classification Sherloc (09022015). Collection method: clinical testing. Allele origin: germline.

Blueprint Genetics
Classification: Likely benign. Last evaluated: 2024-11-27. Review status: criteria provided, single submitter. Criteria: ACMG Guidelines, 2015. Collection method: clinical testing. Allele origin: germline.

NM_001367805.3(KIF23):c.699A>G (p.Leu233=)

Gene: KIF23 (kinesin family member 23; plus strand). Cytogenetic location: 15q23.
Variant type: single nucleotide variant.
Coding change: c.699A>G on transcript NM_001367805.3 (MANE Select); coding-DNA position 699, A replaced by G.
Protein change: p.Leu233=; no amino-acid change (leucine 233 retained).
Molecular consequence: synonymous variant. On other transcripts: non-coding transcript variant (2).
Genome position (GRCh38, 1-based): chr15:69,423,294, A>G. VCF-style: chr15-69423294-A-G. GRCh37 (hg19) VCF-style: chr15-69715633-A-G.
Other names: c.369A>G, p.Leu123= (NM_001281301.2); c.699A>G, p.Leu233= (NM_001367804.2, NM_004856.7, NM_138555.4).
Identifiers: ClinVar variation 717526 (VCV000717526.34), dbSNP rs61750337, ClinGen allele CA7634977.
Genomic context (GRCh38, chr15:69,423,294, plus strand): 5'-TAGTGTCTATGGTGTATTTGTCTCTTATATTGAAATATATAATAATTACATATATGATCT[A>G]TTGGAAGAGGTGCCGTTTGATCCCATAAAACCCAAGTAAGTAATAAAGAGAGCCCCTTCT-3'
Protein context (NP_001354734.1, residues 223-243): IEIYNNYIYD[Leu233=]LEEVPFDPIK